The following is an entry in ClinVar:

NM_152713.5(STT3A):c.616-203T>C

Gene: STT3A (STT3 oligosaccharyltransferase complex catalytic subunit A; plus strand). Cytogenetic location: 11q24.2.
Variant type: single nucleotide variant.
Coding change: c.616-203T>C on transcript NM_152713.5 (MANE Select); 203 bases into the intron before coding-DNA position 616, T replaced by C.
Molecular consequence: intron variant.
Genome position (GRCh38, 1-based): chr11:125,606,098, T>C. VCF-style: chr11-125606098-T-C. GRCh37 (hg19) VCF-style: chr11-125475993-T-C.
Other names: c.616-203T>C (NM_001278503.2); c.340-203T>C (NM_001278504.2).
Identifiers: ClinVar variation 1707394 (VCV001707394.2), dbSNP rs12365334, ClinGen allele CA230469920.
Genomic context (GRCh38, chr11:125,606,098, plus strand): 5'-AGTTACAGTGATGGGTTTGAACTTGATTTTATATTTTCTTTTTTAAAATTTATTTTATTT[T>C]GTGTGACCTGTACATGTAAGGACTTGATTTTCCTGTTTAAAAAAAAAAATCAGTTATTTG-3'

ClinVar aggregate classification (germline): Likely benign (1 of 4 stars; one submission).

Allele frequency attached by ClinVar (database versions not stated): TOPMed 0.00660; gnomAD 0.00708; gnomAD exomes 0.00781.
gnomAD v4.1: 3,954 of 522,850 alleles (0.76%); highest among the groups gnomAD compares: Non-Finnish European, 1%; 39 homozygotes.

Submission:

GeneDx
Classification: Likely benign. Last evaluated: 2019-10-29. Review status: criteria provided, single submitter. Criteria: GeneDx Variant Classification Process June 2021. Collection method: clinical testing. Allele origin: germline. Affected: yes.
Comment: See Variant Classification Assertion Criteria.